The following is an entry in ClinVar:

NM_007294.4(BRCA1):c.1002C>T (p.Pro334=)

Gene: BRCA1 (BRCA1 DNA repair associated; minus strand). Cytogenetic location: 17q21.31.
Variant type: single nucleotide variant.
Coding change: c.1002C>T on transcript NM_007294.4 (MANE Select); coding-DNA position 1002, C replaced by T.
Protein change: p.Pro334=; no amino-acid change (proline 334 retained).
Molecular consequence: synonymous variant. On other transcripts: intron variant (137).
Genome position (GRCh38, 1-based): chr17:43,094,529, G>A on the plus strand (C>T on the coding strand, the complement: BRCA1 is on the minus strand). VCF-style: chr17-43094529-G-A. GRCh37 (hg19) VCF-style: chr17-41246546-G-A.
Other names: c.787+215C>T (NM_001407970.1, NM_001407980.1, NM_001407993.1 and 19 more transcripts); c.789C>T, p.Pro263= (NM_001407571.1, NM_001407853.1, NM_001407894.1 and 9 more transcripts); c.1002C>T, p.Pro334= (NM_001407581.1, NM_001407582.1, NM_001407583.1 and 30 more transcripts); c.999C>T, p.Pro333= (NM_001407587.1, NM_001407590.1, NM_001407591.1 and 22 more transcripts); c.993C>T, p.Pro331= (NM_001407646.1, NM_001407647.1); c.879C>T, p.Pro293= (NM_001407648.1, NM_001407664.1, NM_001407665.1 and 19 more transcripts); c.876C>T, p.Pro292= (NM_001407649.1, NM_001407670.1, NM_001407671.1 and 11 more transcripts); c.924C>T, p.Pro308= (NM_001407653.1, NM_001407654.1, NM_001407655.1 and 4 more transcripts); and 40 more.
Identifiers: ClinVar variation 485375 (VCV000485375.19), dbSNP rs1555592693, ClinGen allele CA500234042.

ClinVar aggregate classification (germline): Likely benign. Review status: criteria provided, multiple submitters, no conflicts (2 of 4 stars). 3 submissions from 3 submitters: Likely benign (3). Last evaluated 2025-12-01.

Conditions:
Hereditary cancer-predisposing syndrome. Also called: Hereditary neoplastic syndrome; Neoplastic Syndromes, Hereditary; Hereditary Cancer Syndrome; Tumor predisposition. Identifiers: Orphanet 140162, MedGen C0027672, MeSH D009386, MONDO:0015356.
Hereditary breast ovarian cancer syndrome. Also called: Breast and ovarian cancer; Hereditary breast and/or ovarian cancer syndrome; Hereditary breast and ovarian cancer syndrome (HBOC); Hereditary breast and ovarian cancer; BRCA1- and BRCA2-Associated Hereditary Breast and Ovarian Cancer; Hereditary breast and ovarian cancer syndrome. Identifiers: Orphanet 145, MedGen C0677776, MeSH D061325, MONDO:0003582. Disease mechanism: loss of function.

Submissions (3):

CeGaT Center for Human Genetics Tuebingen
Classification: Likely benign. Last evaluated: 2025-12-01. Review status: criteria provided, single submitter. Criteria: CeGaT Center For Human Genetics Tuebingen Variant Classification Criteria Version 2. Collection method: clinical testing. Allele origin: germline. Affected: yes. Observed: 1 variant allele.
Comment: BRCA1: PM2:Supporting, BP4, BP7

Labcorp Genetics (formerly Invitae), Labcorp
Classification: Likely benign for Hereditary breast ovarian cancer syndrome. Last evaluated: 2021-02-09. Review status: criteria provided, single submitter. Criteria: Invitae Variant Classification Sherloc (09022015). Collection method: clinical testing. Allele origin: germline.

Ambry Genetics
Classification: Likely benign for Hereditary cancer-predisposing syndrome. Last evaluated: 2015-10-15. Review status: criteria provided, single submitter. Criteria: Ambry Variant Classification Scheme 2023. Collection method: clinical testing. Allele origin: germline.